The following is an entry in ClinVar:

ClinVar aggregate classification (germline): Uncertain significance (1 of 4 stars; one submission).

Conditions:
Left ventricular noncompaction 8 (LVNC8). Identifiers: Orphanet 154, Orphanet 54260, MedGen C3809288, MONDO:0014152, OMIM 615373.

gnomAD v4.1: 6 of 1,598,030 alleles (0.00038%); highest among the groups gnomAD compares: Non-Finnish European, 0.00043%; no homozygotes.

Submission:

Labcorp Genetics (formerly Invitae), Labcorp
Classification: Uncertain significance for Left ventricular noncompaction 8. Last evaluated: 2019-04-10. Review status: criteria provided, single submitter. Criteria: Invitae Variant Classification Sherloc (09022015). Collection method: clinical testing. Allele origin: germline.
Comment: This sequence change replaces proline with leucine at codon 802 of the PRDM16 protein (p.Pro802Leu). The proline residue is highly conserved and there is a moderate physicochemical difference between proline and leucine. This variant is not present in population databases (ExAC no frequency). This variant has not been reported in the literature in individuals with PRDM16-related conditions. Algorithms developed to predict the effect of missense changes on protein structure and function (SIFT, PolyPhen-2, Align-GVGD) all suggest that this variant is likely to be disruptive, but these predictions have not been confirmed by published functional studies and their clinical significance is uncertain. In summary, the available evidence is currently insufficient to determine the role of this variant in disease. Therefore, it has been classified as a Variant of Uncertain Significance.

NM_022114.4(PRDM16):c.2405C>T (p.Pro802Leu)

Gene: PRDM16 (PR/SET domain 16; plus strand). Cytogenetic location: 1p36.32.
Variant type: single nucleotide variant.
Coding change: c.2405C>T on transcript NM_022114.4 (MANE Select); coding-DNA position 2405, C replaced by T.
Protein change: p.Pro802Leu; replaces proline 802 with leucine.
Molecular consequence: missense variant.
Genome position (GRCh38, 1-based): chr1:3,412,602, C>T. VCF-style: chr1-3412602-C-T. GRCh37 (hg19) VCF-style: chr1-3329166-C-T.
Other names: c.2405C>T, p.Pro802Leu (NM_199454.3); short protein forms P802L.
Identifiers: ClinVar variation 857463 (VCV000857463.9), dbSNP rs1213107052, ClinGen allele CA338000377.